The following is an entry in ClinVar:

NM_000520.6(HEXA):c.616del (p.Leu205_Val206insTer)

Gene: HEXA (hexosaminidase subunit alpha; minus strand). Cytogenetic location: 15q23.
Variant type: Deletion.
Coding change: c.616del on transcript NM_000520.6 (MANE Select); coding-DNA position 616, one base deleted (G; older notation c.616delG).
Protein change: p.Leu205_Val206insTer.
Molecular consequence: nonsense. On other transcripts: non-coding transcript variant (1).
Genome position (GRCh38, 1-based): chr15:72,351,189, C deleted on the plus strand (G on the coding strand, the reverse complement: HEXA is on the minus strand); the first of 2 consecutive C bases (chr15:72,351,189-72,351,190); deleting either gives the same sequence. VCF-style (leftmost placement, unchanged base first): chr15-72351188-AC-A. GRCh37 (hg19) VCF-style: chr15-72643529-AC-A.
Other names: c.616delG (NM_000520.5); c.649del, p.Leu216_Val217insTer (NM_001318825.2).
Identifiers: ClinVar variation 929000 (VCV000929000.2), dbSNP rs2088690482, ClinGen allele CA1139664063.

ClinVar aggregate classification (germline): Pathogenic/Likely pathogenic. Review status: criteria provided, multiple submitters, no conflicts (2 of 4 stars). 2 submissions from 2 submitters: Pathogenic (1); Likely pathogenic (1). Last evaluated 2024-10-29.

Conditions:
Tay-Sachs disease (TSD). Also called: HEXA DEFICIENCY; GM2 gangliosidosis, type 1; Hexosaminidase alpha-subunit deficiency (variant B); Sphingolipidosis, Tay-Sachs; HEXA Disorders; Hexosaminidase A Deficiency. Identifiers: Orphanet 845, MedGen C0039373, MONDO:0010100, OMIM 272800.

Submissions (2):

Natera, Inc.
Classification: Pathogenic for Tay-Sachs disease. Last evaluated: 2024-10-29. Review status: criteria provided, single submitter. Criteria: Natera Variant Classification Schema (03/2026). Collection method: clinical testing. Allele origin: germline.
Comment: The c.616delG variant in HEXA is a frameshift variant predicted to shift the reading frame and introduce a stop codon. This variant is expected to result in nonsense mediated decay, truncation, or a dysfunctional protein product. This variant is rare in the general population with a frequency below the threshold expected for the associated phenotype(s). This variant has been observed in one or more individuals affected with the associated recessive disease, as either homozygous or compound heterozygous with a second variant (PMID: 16088929). Given the available evidence, this variant is classified as Pathogenic.

Women's Health and Genetics/Laboratory Corporation of America, LabCorp
Classification: Likely pathogenic for Tay-Sachs disease. Last evaluated: 2019-08-12. Review status: criteria provided, single submitter. Criteria: LabCorp Variant Classification Summary - May 2015. Collection method: clinical testing. Allele origin: germline.
Comment: Variant summary: HEXA c.616delG (p.Val206X) results in a premature termination codon, predicted to cause a truncation of the encoded protein or absence of the protein due to nonsense mediated decay, which are commonly known mechanisms for disease. Truncations downstream of this position have been classified as pathogenic by our laboratory (c.1168C>T, p.Gln390X; c.1274_1277dupTATC, p.Tyr427fsX5). The variant was absent in 251484 control chromosomes (gnomAD). The variant, c.616delG, has been reported in the literature in an individual affected with Tay-Sachs Disease (Montalvo_2005). These data indicate that the variant is very likely to be associated with disease. To our knowledge, no experimental evidence demonstrating an impact on protein function has been reported. No clinical diagnostic laboratories have submitted clinical-significance assessments for this variant to ClinVar after 2014. Based on the evidence outlined above, the variant was classified as likely pathogenic.

Literature cited by the submitters: PubMed 16088929 (cited by Natera, Inc. and Women's Health and Genetics/Laboratory Corporation of America, LabCorp).